The following is an entry in ClinVar:

NM_005732.4(RAD50):c.3134T>C (p.Met1045Thr)

Gene: RAD50 (RAD50 double strand break repair protein; plus strand). Cytogenetic location: 5q31.1.
Variant type: single nucleotide variant.
Coding change: c.3134T>C on transcript NM_005732.4 (MANE Select); coding-DNA position 3134, T replaced by C.
Protein change: p.Met1045Thr; replaces methionine 1045 with threonine.
Molecular consequence: missense variant.
Genome position (GRCh38, 1-based): chr5:132,616,100, T>C. VCF-style: chr5-132616100-T-C. GRCh37 (hg19) VCF-style: chr5-131951792-T-C.
Other names: short protein forms M1045T.
Identifiers: ClinVar variation 4149741 (VCV004149741.1).

ClinVar aggregate classification (germline): Uncertain significance (1 of 4 stars; one submission).

Conditions:
Hereditary cancer-predisposing syndrome. Also called: Hereditary neoplastic syndrome; Neoplastic Syndromes, Hereditary; Tumor predisposition; Hereditary Cancer Syndrome. Identifiers: Orphanet 140162, MedGen C0027672, MeSH D009386, MONDO:0015356.

Submission:

Ambry Genetics
Classification: Uncertain significance for Hereditary cancer-predisposing syndrome. Last evaluated: 2025-09-01. Review status: criteria provided, single submitter. Criteria: Ambry Variant Classification Scheme 2023. Collection method: clinical testing. Allele origin: germline.
Comment: The p.M1045T variant (also known as c.3134T>C), located in coding exon 20 of the RAD50 gene, results from a T to C substitution at nucleotide position 3134. The methionine at codon 1045 is replaced by threonine, an amino acid with similar properties. This amino acid position is conserved. In addition, the in silico prediction for this alteration is inconclusive. Based on the available evidence, the clinical significance of this variant remains unclear.